The following is an entry in ClinVar:

NM_170606.3(KMT2C):c.4548C>T (p.Gly1516=)

Gene: KMT2C (lysine methyltransferase 2C; minus strand). Cytogenetic location: 7q36.1.
Variant type: single nucleotide variant.
Coding change: c.4548C>T on transcript NM_170606.3 (MANE Select); coding-DNA position 4548, C replaced by T.
Protein change: p.Gly1516=; no amino-acid change (glycine 1516 retained).
Molecular consequence: synonymous variant.
Genome position (GRCh38, 1-based): chr7:152,194,121, G>A on the plus strand (C>T on the coding strand, the complement: KMT2C is on the minus strand). VCF-style: chr7-152194121-G-A. GRCh37 (hg19) VCF-style: chr7-151891206-G-A.
Other names: c.4548C>T (NM_170606.2).
Identifiers: ClinVar variation 2901062 (VCV002901062.5), dbSNP rs201322783, ClinGen allele CA4580488.

ClinVar aggregate classification (germline): Benign. Review status: criteria provided, single submitter (1 of 4 stars). 2 submissions from 2 submitters: Benign (1). 1 of the submissions does not count toward it. Last evaluated 2022-12-16.

Conditions:
KMT2C-related disorder. Also called: KMT2C-related condition; KMT2C-related disorders.

Allele frequency attached by ClinVar (database versions not stated): gnomAD exomes 0.00001; ExAC 0.00002; gnomAD 0.00003; TOPMed 0.00005; 1000 Genomes Project 30x 0.00031; 1000 Genomes Project 0.00040.
gnomAD v4.1: 24 of 1,573,234 alleles (0.0015%); highest among the groups gnomAD compares: African/African-American, 0.0096%; no homozygotes.

Submissions (2):

Labcorp Genetics (formerly Invitae), Labcorp
Classification: Benign. Last evaluated: 2022-12-16. Review status: criteria provided, single submitter. Criteria: Invitae Variant Classification Sherloc (09022015). Collection method: clinical testing. Allele origin: germline.

PreventionGenetics, part of Exact Sciences
Classification: Likely benign for KMT2C-related condition. Last evaluated: 2019-08-13. Review status: no assertion criteria provided. Collection method: clinical testing. Allele origin: germline. Not counted in ClinVar's aggregate classification.
Comment: This variant is classified as likely benign based on ACMG/AMP sequence variant interpretation guidelines (Richards et al. 2015 PMID: 25741868, with internal and published modifications).